The following is an entry in ClinVar:

NM_004722.4(AP4M1):c.136C>G (p.Pro46Ala)

Gene: AP4M1 (adaptor related protein complex 4 subunit mu 1; plus strand). Cytogenetic location: 7q22.1.
Variant type: single nucleotide variant.
Coding change: c.136C>G on transcript NM_004722.4 (MANE Select); coding-DNA position 136, C replaced by G.
Protein change: p.Pro46Ala; replaces proline 46 with alanine.
Molecular consequence: missense variant.
Genome position (GRCh38, 1-based): chr7:100,101,957, C>G. VCF-style: chr7-100101957-C-G. GRCh37 (hg19) VCF-style: chr7-99699580-C-G.
Other names: c.136C>G, p.Pro46Ala (NM_001363671.2); short protein forms P46A.
Identifiers: ClinVar variation 659743 (VCV000659743.17), dbSNP rs757747386, ClinGen allele CA4374448.

ClinVar aggregate classification (germline): Uncertain significance. Review status: criteria provided, multiple submitters, no conflicts (2 of 4 stars). 6 submissions from 6 submitters: Uncertain significance (3). 3 of the submissions do not count toward it. Last evaluated 2024-10-24.

Conditions:
Hereditary spastic paraplegia 50 (SPG50). Also called: Spastic paraplegia 50, autosomal recessive. Identifiers: Orphanet 280763, MedGen C2752008, MONDO:0013048, OMIM 612936.

Allele frequency attached by ClinVar (database versions not stated): gnomAD 0.00003; TOPMed 0.00006; ExAC 0.00007.
gnomAD v4.1: 131 of 1,613,136 alleles (0.0081%); highest among the groups gnomAD compares: Non-Finnish European, 0.01%; no homozygotes.

Submissions (6):

Blueprint Genetics
Classification: Uncertain significance. Last evaluated: 2024-10-24. Review status: criteria provided, single submitter. Criteria: ACMG Guidelines, 2015. Collection method: clinical testing. Allele origin: germline.

Labcorp Genetics (formerly Invitae), Labcorp
Classification: Uncertain significance for Hereditary spastic paraplegia 50. Last evaluated: 2022-11-07. Review status: criteria provided, single submitter. Criteria: Invitae Variant Classification Sherloc (09022015). Collection method: clinical testing. Allele origin: germline.
Comment: ClinVar contains an entry for this variant (Variation ID: 659743). In summary, the available evidence is currently insufficient to determine the role of this variant in disease. Therefore, it has been classified as a Variant of Uncertain Significance. Advanced modeling of protein sequence and biophysical properties (such as structural, functional, and spatial information, amino acid conservation, physicochemical variation, residue mobility, and thermodynamic stability) performed at Invitae indicates that this missense variant is not expected to disrupt AP4M1 protein function. This missense change has been observed in individual(s) with arthrogryposis (PMID: 31230720). This variant is present in population databases (rs757747386, gnomAD 0.009%). This sequence change replaces proline, which is neutral and non-polar, with alanine, which is neutral and non-polar, at codon 46 of the AP4M1 protein (p.Pro46Ala).

Genetic Services Laboratory, University of Chicago
Classification: Uncertain significance. Last evaluated: 2017-08-18. Review status: criteria provided, single submitter. Criteria: ACMG Guidelines, 2015. Collection method: clinical testing. Allele origin: germline. Affected: no.

Clinical Genetics DNA and cytogenetics Diagnostics Lab, Erasmus MC, Erasmus Medical Center
Classification: Uncertain significance. Review status: no assertion criteria provided. Collection method: clinical testing. Allele origin: germline. Affected: yes. Study: VKGL Data-share Consensus. Not counted in ClinVar's aggregate classification.

Joint Genome Diagnostic Labs from Nijmegen and Maastricht, Radboudumc and MUMC+
Classification: Uncertain significance. Review status: no assertion criteria provided. Collection method: clinical testing. Allele origin: germline. Affected: yes. Study: VKGL Data-share Consensus. Not counted in ClinVar's aggregate classification.

Lupski Lab, Baylor-Hopkins CMG, Baylor College of Medicine
Classification: Uncertain significance for Hereditary spastic paraplegia 50. Review status: no assertion criteria provided. Collection method: research. Allele origin: inherited. Inheritance: Autosomal recessive inheritance. Affected: yes. Observed: 3 variant alleles, 2 heterozygotes, 1 homozygote. Not counted in ClinVar's aggregate classification.

Literature cited by the submitters: PubMed 31230720 (cited by Labcorp Genetics (formerly Invitae), Labcorp).